The following is an entry in ClinVar:

ClinVar aggregate classification (germline): Pathogenic (1 of 4 stars; one submission).

Submission:

Labcorp Genetics (formerly Invitae), Labcorp
Classification: Pathogenic. Last evaluated: 2021-04-02. Review status: criteria provided, single submitter. Criteria: Invitae Variant Classification Sherloc (09022015). Collection method: clinical testing. Allele origin: germline.
Comment: This variant is not present in population databases (ExAC no frequency). This variant has been observed in individuals affected with X-linked hypophosphatemia (PMID: 29460029, Invitae). ClinVar contains an entry for this variant (Variation ID: 951800). This sequence change replaces leucine with arginine at codon 673 of the PHEX protein (p.Leu673Arg). The leucine residue is highly conserved and there is a moderate physicochemical difference between leucine and arginine. Advanced modeling of protein sequence and biophysical properties (such as structural, functional, and spatial information, amino acid conservation, physicochemical variation, residue mobility, and thermodynamic stability) performed at Invitae indicates that this missense variant is expected to disrupt PHEX protein function. For these reasons, this variant has been classified as Pathogenic.

Literature cited by the submitters: PubMed 29460029.

NM_000444.6(PHEX):c.2018T>G (p.Leu673Arg)

Genes: PHEX (phosphate regulating endopeptidase X-linked; plus strand), PTCHD1-AS (PTCHD1 and PHEX antisense RNA; minus strand). Cytogenetic location: Xp22.11.
Variant type: single nucleotide variant.
Coding change: c.2018T>G on transcript NM_000444.6 (MANE Select); coding-DNA position 2018, T replaced by G.
Protein change: p.Leu673Arg; replaces leucine 673 with arginine.
Molecular consequence: missense variant. On other transcripts: non-coding transcript variant (1).
Genome position (GRCh38, 1-based): chrX:22,227,559, T>G. VCF-style: chrX-22227559-T-G. GRCh37 (hg19) VCF-style: chrX-22245676-T-G.
Other names: c.2018T>G, p.Leu673Arg (NM_001282754.2); short protein forms L673R.
Identifiers: ClinVar variation 951800 (VCV000951800.9), dbSNP rs1935549921, ClinGen allele CA412574402.